The following is an entry in ClinVar:

NM_001365951.3(KIF1B):c.1516_1517delinsTT (p.Glu506Leu)

Gene: KIF1B (kinesin family member 1B; plus strand). Cytogenetic location: 1p36.22.
Variant type: Indel.
Coding change: c.1516_1517delinsTT on transcript NM_001365951.3 (MANE Select); coding-DNA positions 1516 to 1517, GA replaced by TT.
Protein change: p.Glu506Leu; replaces glutamic acid 506 with leucine.
Molecular consequence: missense variant.
Genome position (GRCh38, 1-based): chr1:10,292,048-10,292,049, GA replaced by TT. VCF-style: chr1-10292048-GA-TT. GRCh37 (hg19) VCF-style: chr1-10352106-GA-TT.
Other names: c.1516_1517delinsTT, p.Glu506Leu (NM_001365952.1); c.1378_1379delinsTT, p.Glu460Leu (NM_001365953.1, NM_015074.3, NM_183416.4); c.1378_1379delGAinsTT (NM_015074.3); short protein forms E460L, E506L.
Identifiers: ClinVar variation 3864033 (VCV003864033.1).

ClinVar aggregate classification (germline): Uncertain significance (1 of 4 stars; one submission).

Submission:

Ambry Genetics
Classification: Uncertain significance. Last evaluated: 2024-12-23. Review status: criteria provided, single submitter. Criteria: Ambry Variant Classification Scheme 2023. Collection method: clinical testing. Allele origin: germline.
Comment: The c.1378_1379delGAinsTT variant, located in coding exon 14 of the KIF1B gene, results from an in-frame deletion of GA and insertion of TT at nucleotide positions 1378 to 1379. This results in the substitution of the glutamic acid residue for a leucine residue at codon 460, an amino acid with dissimilar properties. This amino acid position is highly conserved in available vertebrate species. The evidence for this gene-disease relationship is limited; therefore, the clinical significance of this alteration is unclear.